The following is an entry in ClinVar:

ClinVar aggregate classification (germline): Benign (1 of 4 stars; one submission).

Allele frequency attached by ClinVar (database versions not stated): gnomAD 0.20572 and 0.21178; TOPMed 0.21129; 1000 Genomes Project 30x 0.22908; 1000 Genomes Project 0.23343.
gnomAD v4.1: 192,253 of 822,996 alleles (23%); highest among the groups gnomAD compares: East Asian, 35%; 23,190 homozygotes.

Submission:

GeneDx
Classification: Benign. Last evaluated: 2018-06-14. Review status: criteria provided, single submitter. Criteria: GeneDx Variant Classification (06012015). Collection method: clinical testing. Allele origin: germline. Affected: yes.
Comment: This variant is considered likely benign or benign based on one or more of the following criteria: it is a conservative change, it occurs at a poorly conserved position in the protein, it is predicted to be benign by multiple in silico algorithms, and/or has population frequency not consistent with disease.

NM_182961.4(SYNE1):c.2250+146G>T

Gene: SYNE1 (spectrin repeat containing nuclear envelope protein 1; minus strand). Cytogenetic location: 6q25.2.
Variant type: single nucleotide variant.
Coding change: c.2250+146G>T on transcript NM_182961.4 (MANE Select); 146 bases into the intron after coding-DNA position 2250, G replaced by T.
Molecular consequence: intron variant.
Genome position (GRCh38, 1-based): chr6:152,462,592, C>A on the plus strand (G>T on the coding strand, the complement: SYNE1 is on the minus strand). VCF-style: chr6-152462592-C-A. GRCh37 (hg19) VCF-style: chr6-152783727-C-A.
Other names: c.2271+146G>T (NM_033071.5).
Identifiers: ClinVar variation 670604 (VCV000670604.1), dbSNP rs67723248, ClinGen allele CA150203746.
Genomic context (GRCh38, chr6:152,462,592, plus strand): 5'-CAATTTGAAGTTACTTTATATGATCAAGTCATGTCTTTTTTATGTTCAATACATTTTTTT[C>A]TGACAGGTGCAAATTGGGACATACAGACATGTCAAAATGATGCCCAGGAGACACAGAAAC-3'